The following is an entry in ClinVar:

ClinVar aggregate classification (germline): Uncertain significance (1 of 4 stars; one submission).

Submission:

Labcorp Genetics (formerly Invitae), Labcorp
Classification: Uncertain significance. Last evaluated: 2023-05-27. Review status: criteria provided, single submitter. Criteria: Invitae Variant Classification Sherloc (09022015). Collection method: clinical testing. Allele origin: germline.
Comment: Advanced modeling of protein sequence and biophysical properties (such as structural, functional, and spatial information, amino acid conservation, physicochemical variation, residue mobility, and thermodynamic stability) performed at Invitae indicates that this missense variant is not expected to disrupt KAT6A protein function. In summary, the available evidence is currently insufficient to determine the role of this variant in disease. Therefore, it has been classified as a Variant of Uncertain Significance. This variant has not been reported in the literature in individuals affected with KAT6A-related conditions. This variant is not present in population databases (gnomAD no frequency). This sequence change replaces glutamic acid, which is acidic and polar, with glutamine, which is neutral and polar, at codon 1370 of the KAT6A protein (p.Glu1370Gln).

NM_006766.5(KAT6A):c.4108G>C (p.Glu1370Gln)

Gene: KAT6A (lysine acetyltransferase 6A; minus strand). Cytogenetic location: 8p11.21.
Variant type: single nucleotide variant.
Coding change: c.4108G>C on transcript NM_006766.5 (MANE Select); coding-DNA position 4108, G replaced by C.
Protein change: p.Glu1370Gln; replaces glutamic acid 1370 with glutamine.
Molecular consequence: missense variant.
Genome position (GRCh38, 1-based): chr8:41,934,112, C>G on the plus strand (G>C on the coding strand, the complement: KAT6A is on the minus strand). VCF-style: chr8-41934112-C-G. GRCh37 (hg19) VCF-style: chr8-41791630-C-G.
Other names: short protein forms E1370Q.
Identifiers: ClinVar variation 3005233 (VCV003005233.3), dbSNP rs138944476, ClinGen allele CA371067009.
Genomic context (GRCh38, chr8:41,934,112, plus strand): 5'-CCATCTGCTCTGACACCACGGACGTGTCATGGGAAGGCTGCTCCTCTTCGGAATCCAGCT[C>G]GGTTTCCTCTTTATCCTTTATCTTTTCCCTACTCTTCTGCATATTAGCATCTAAAAAAGA-3'
Protein context (NP_006757.2, residues 1360-1380): REKIKDKEET[Glu1370Gln]LDSEEEQPSH